The following is an entry in ClinVar:

ClinVar aggregate classification (germline): Pathogenic. Review status: criteria provided, multiple submitters, no conflicts (2 of 4 stars). 3 submissions from 3 submitters: Pathogenic (2). 1 of the submissions does not count toward it. Last evaluated 2022-12-19.

Conditions:
INTELLECTUAL DEVELOPMENTAL DISORDER WITH LANGUAGE IMPAIRMENT AND AUTISTIC FEATURES.
Intellectual disability-severe speech delay-mild dysmorphism syndrome (IDDLA). Also called: FOXP1 Syndrome; Mental retardation with language impairment and autistic features; Intellectual developmental disorder with language impairment AND with or without autistic features. Identifiers: Orphanet 391372, MedGen C4013764, MONDO:0013352, OMIM 613670.

Submissions (3):

Pittsburgh Clinical Genomics Laboratory, University of Pittsburgh Medical Center
Classification: Pathogenic for Intellectual disability-severe speech delay-mild dysmorphism syndrome. Last evaluated: 2022-12-19. Review status: criteria provided, single submitter. Criteria: ACMG Guidelines, 2015. Collection method: clinical testing. Allele origin: germline. Inheritance: Autosomal dominant inheritance. Affected: yes.
Comment: This sequence variant is a single nucleotide substitution (C>G) at coding nucleotide 1317 in the FOXP1 gene which changes the Tyr439 codon into an early termition sigl. As it occurs in exon 15 of 21, this variant is predicted to generate a non-functiol allele through the expression of a truncated protein or a loss of FOXP1 expression due to nonsense-mediated decay. This is a previously reported variant that has been observed as a de novo variant in an individual with developmental delay and intellectual disability (PMID: 26647308). This variant is absent from the gnomAD control population database (0/~251400 alleles). Given the available evidence, we consider this variant to be pathogenic. ACMG Criteria: PM2, PS2, PVS1

Language and Genetics Department, Max Planck Institute for Psycholinguistics
Classification: Pathogenic for Mental retardation with language impairment and with or without autistic features. Last evaluated: 2015-01-01. Review status: criteria provided, single submitter. Criteria: Sollis et al. 2015. Collection method: clinical testing, in vitro. Allele origin: de novo, not applicable. Affected: yes. Observed: 1 variant allele, 1 heterozygote.

OMIM
Classification: Pathogenic for INTELLECTUAL DEVELOPMENTAL DISORDER WITH LANGUAGE IMPAIRMENT AND AUTISTIC FEATURES. Last evaluated: 2024-10-16. Review status: no assertion criteria provided. Collection method: literature only. Allele origin: germline. Not counted in ClinVar's aggregate classification.

Literature cited by the submitters: PubMed 26647308 (cited by Pittsburgh Clinical Genomics Laboratory, University of Pittsburgh Medical Center and OMIM).

NM_001349338.3(FOXP1):c.1317C>G (p.Tyr439Ter)

Gene: FOXP1 (forkhead box P1; minus strand). Cytogenetic location: 3p13.
Variant type: single nucleotide variant.
Coding change: c.1317C>G on transcript NM_001349338.3 (MANE Select); coding-DNA position 1317, C replaced by G.
Protein change: p.Tyr439Ter; replaces tyrosine 439 with a stop codon.
Molecular consequence: nonsense. On other transcripts: non-coding transcript variant (2).
Genome position (GRCh38, 1-based): chr3:70,977,859, G>C on the plus strand (C>G on the coding strand, the complement: FOXP1 is on the minus strand). VCF-style: chr3-70977859-G-C. GRCh37 (hg19) VCF-style: chr3-71027010-G-C.
Other names: c.1317C>G, p.Tyr439Ter (NM_001244808.3, NM_001244810.2, NM_001244814.3 and 3 more transcripts); c.1089C>G, p.Tyr363Ter (NM_001244812.3); c.1017C>G, p.Tyr339Ter (NM_001244813.3, NM_001244815.2, NM_001349342.3 and 1 more transcripts); c.1014C>G, p.Tyr338Ter (NM_001349337.2, NM_001349343.3, NM_001349344.3); c.1314C>G, p.Tyr438Ter (NM_001349341.3); short protein forms Y439*, Y338*, Y363*, Y438*, Y339*.
Identifiers: ClinVar variation 217266 (VCV000217266.9), dbSNP rs794727155, ClinGen allele CA059946.
Genomic context (GRCh38, chr3:70,977,859, plus strand): 5'-CTACGTGAGGCAAAAGGTGGAGTATCTACCTGACGAAATGGGCACGTTGTATTTGTCTGA[G>C]TACCGCCTGCGGATGGGTCCCACCGTGTGCATGCTGGTGGTTGTGATGACAGAGGGGCCT-3'